The following is an entry in ClinVar:

ClinVar aggregate classification (germline): Uncertain significance. Review status: criteria provided, multiple submitters, no conflicts (2 of 4 stars). 2 submissions from 2 submitters: Uncertain significance (2). Last evaluated 2024-11-29.

Allele frequency attached by ClinVar (database versions not stated): gnomAD exomes below 0.00001; TOPMed 0.00001; gnomAD 0.00003.
gnomAD v4.1: 7 of 1,196,201 alleles (0.00059%); highest among the groups gnomAD compares: Admixed American, 0.016%; no homozygotes.

Submissions (2):

Women's Health and Genetics/Laboratory Corporation of America, LabCorp
Classification: Uncertain significance. Last evaluated: 2024-11-29. Review status: criteria provided, single submitter. Criteria: LabCorp Variant Classification Summary - May 2015. Collection method: clinical testing. Allele origin: germline.
Comment: Variant summary: USP27X c.1063A>G (p.Thr355Ala) results in a non-conservative amino acid change located in the Ubiquitin specific protease (USP) domain of the encoded protein sequence. Two of three in-silico tools predict a benign effect of the variant on protein function. The variant was absent in 155860 control chromosomes. The available data on variant occurrences in the general population are insufficient to allow any conclusion about variant significance. To our knowledge, no occurrence of c.1063A>G in individuals affected with Intellectual Disability, X-Linked 105 and no experimental evidence demonstrating its impact on protein function have been reported. ClinVar contains an entry for this variant (Variation ID: 1678321). Based on the evidence outlined above, the variant was classified as uncertain significance.

AiLife Diagnostics
Classification: Uncertain significance. Last evaluated: 2020-07-21. Review status: criteria provided, single submitter. Criteria: ACMG Guidelines, 2015. Collection method: clinical testing. Allele origin: germline. Affected: yes. Observed: 1 variant allele.

NM_001145073.3(USP27X):c.1063A>G (p.Thr355Ala)

Gene: USP27X (ubiquitin specific peptidase 27 X-linked; plus strand). Cytogenetic location: Xp11.23.
Variant type: single nucleotide variant.
Coding change: c.1063A>G on transcript NM_001145073.3 (MANE Select); coding-DNA position 1063, A replaced by G.
Protein change: p.Thr355Ala; replaces threonine 355 with alanine.
Molecular consequence: missense variant.
Genome position (GRCh38, 1-based): chrX:49,881,370, A>G. VCF-style: chrX-49881370-A-G. GRCh37 (hg19) VCF-style: chrX-49645973-A-G.
Other names: short protein forms T355A.
Identifiers: ClinVar variation 1678321 (VCV001678321.3), dbSNP rs1924386959, ClinGen allele CA413171654.